The following is an entry in ClinVar:

NM_014795.4(ZEB2):c.3067+6A>T

Gene: ZEB2 (zinc finger E-box binding homeobox 2; minus strand). Cytogenetic location: 2q22.3.
Variant type: single nucleotide variant.
Coding change: c.3067+6A>T on transcript NM_014795.4 (MANE Select); 6 bases into the intron after coding-DNA position 3067, A replaced by T.
Molecular consequence: intron variant.
Genome position (GRCh38, 1-based): chr2:144,396,406, T>A on the plus strand (A>T on the coding strand, the complement: ZEB2 is on the minus strand). VCF-style: chr2-144396406-T-A. GRCh37 (hg19) VCF-style: chr2-145153973-T-A.
Other names: p.?; c.2995+6A>T (NM_001171653.2).
Identifiers: ClinVar variation 95633 (VCV000095633.29), dbSNP rs143450927, ClinGen allele CA213363.

ClinVar aggregate classification (germline): Benign/Likely benign. Review status: criteria provided, multiple submitters, no conflicts (2 of 4 stars). 13 submissions from 13 submitters: Benign (8); Likely benign (2). 3 of the submissions do not count toward it. Last evaluated 2026-02-04.

Conditions:
Mowat-Wilson syndrome (MOWS). Also called: Classic Mowat-Wilson Syndrome. Identifiers: Orphanet 2152, MedGen C1856113, MONDO:0009341, OMIM 235730.

Allele frequency attached by ClinVar (database versions not stated): 1000 Genomes Project 30x 0.01515; ESP Exome Variant Server 0.00062; TOPMed 0.01398; 1000 Genomes Project 0.01478.
gnomAD v4.1: 7,252 of 1,612,920 alleles (0.45%); highest among the groups gnomAD compares: Admixed American, 8.6%; 314 homozygotes.

Submissions (13):

Labcorp Genetics (formerly Invitae), Labcorp
Classification: Benign for Mowat-Wilson syndrome. Last evaluated: 2026-02-04. Review status: criteria provided, single submitter. Criteria: Invitae Variant Classification Sherloc (09022015). Collection method: clinical testing. Allele origin: germline.

Athena Diagnostics
Classification: Benign. Last evaluated: 2024-07-31. Review status: criteria provided, single submitter. Criteria: Athena Diagnostics Criteria. Collection method: clinical testing. Allele origin: unknown.

Genome-Nilou Lab
Classification: Benign for Mowat-Wilson syndrome. Last evaluated: 2021-11-07. Review status: criteria provided, single submitter. Criteria: ACMG Guidelines, 2015. Collection method: clinical testing. Allele origin: germline. Affected: no.

Mayo Clinic Laboratories, Mayo Clinic
Classification: Benign. Last evaluated: 2019-07-01. Review status: criteria provided, single submitter. Criteria: ACMG Guidelines, 2015. Collection method: clinical testing. Allele origin: germline. Observed: 22 variant alleles.

Molecular Genetics Laboratory, Children's Mercy Hospital and Clinics
Classification: Benign. Last evaluated: 2015-03-02. Review status: criteria provided, single submitter. Criteria: ACMG Guidelines, 2015. Collection method: clinical testing. Allele origin: maternal. Affected: no. Observed: 2 variant alleles.
Comment: This variant was interpreted as benign based on ACMG evidence categories BS1 BS2.

Center for Pediatric Genomic Medicine, Children's Mercy Hospital and Clinics
Classification: Benign. Last evaluated: 2014-12-09. Review status: criteria provided, single submitter. Criteria: ACMG Guidelines, 2015. Collection method: clinical testing. Allele origin: germline.

Eurofins Ntd Llc (ga)
Classification: Benign. Last evaluated: 2013-12-17. Review status: criteria provided, single submitter. Criteria: EGL Classification Definitions 2015. Collection method: clinical testing. Allele origin: germline. Observed: 13 variant alleles, 12 heterozygotes, 1 homozygote.

Genetic Services Laboratory, University of Chicago
Classification: Likely benign for Mowat-Wilson syndrome. Last evaluated: 2013-04-10. Review status: criteria provided, single submitter. Criteria: ACMG Guidelines, 2007. Collection method: clinical testing. Allele origin: germline. Inheritance: Autosomal dominant inheritance.

GeneDx
Classification: Benign. Last evaluated: 2012-05-11. Review status: criteria provided, single submitter. Criteria: GeneDx Variant Classification (06012015). Collection method: clinical testing. Allele origin: germline. Affected: yes.
Comment: This variant is considered likely benign or benign based on one or more of the following criteria: it is a conservative change, it occurs at a poorly conserved position in the protein, it is predicted to be benign by multiple in silico algorithms, and/or has population frequency not consistent with disease.

Breakthrough Genomics
Classification: Likely benign. Review status: criteria provided, single submitter. Criteria: ACMG Guidelines, 2015. Collection method: not provided. Allele origin: germline. Inheritance: Autosomal dominant inheritance. Affected: yes.

Genomic Diagnostic Laboratory, Division of Genomic Diagnostics, Children's Hospital of Philadelphia
Classification: Benign. Last evaluated: 2015-01-30. Review status: no assertion criteria provided. Collection method: clinical testing. Allele origin: germline. Not counted in ClinVar's aggregate classification.

Genome Diagnostics Laboratory, University Medical Center Utrecht
Classification: Benign. Review status: no assertion criteria provided. Collection method: clinical testing. Allele origin: germline. Affected: yes. Study: VKGL Data-share Consensus. Not counted in ClinVar's aggregate classification.

Laboratory of Diagnostic Genome Analysis, Leiden University Medical Center (LUMC)
Classification: Likely benign. Review status: no assertion criteria provided. Collection method: clinical testing. Allele origin: germline. Affected: yes. Study: VKGL Data-share Consensus. Not counted in ClinVar's aggregate classification.

Literature cited by the submitters: PubMed 23418865 (cited by Athena Diagnostics).